The following is an entry in ClinVar:

ClinVar aggregate classification (germline): Uncertain significance. Review status: criteria provided, multiple submitters, no conflicts (2 of 4 stars). 3 submissions from 3 submitters: Uncertain significance (3). Last evaluated 2023-04-28.

Conditions:
Microcephaly, normal intelligence and immunodeficiency (NBS). Also called: BERLIN BREAKAGE SYNDROME; Nijmegen breakage syndrome; Microcephaly with normal intelligence immunodeficiency and lymphoreticular malignancies; Nonsyndromal microcephaly autosomal recessive with normal intelligence; Seemanova syndrome 2; SEEMANOVA SYNDROME II. Identifiers: Orphanet 647, MedGen C0398791, MONDO:0009623, OMIM 251260.
Hereditary cancer-predisposing syndrome. Also called: Hereditary Cancer Syndrome; Tumor predisposition; Neoplastic Syndromes, Hereditary; Hereditary neoplastic syndrome. Identifiers: Orphanet 140162, MedGen C0027672, MeSH D009386, MONDO:0015356.

Allele frequency attached by ClinVar (database versions not stated): TOPMed below 0.00001; gnomAD exomes 0.00001.

Submissions (3):

Ambry Genetics
Classification: Uncertain significance for Hereditary cancer-predisposing syndrome. Last evaluated: 2023-04-28. Review status: criteria provided, single submitter. Criteria: Ambry Variant Classification Scheme 2023. Collection method: clinical testing. Allele origin: germline.
Comment: The c.1845+2dupT intronic variant, results from a duplication of two nucleotides at nucleotide position 1845 after intron 11 of the NBN gene. This alteration, designated as IVS11+2insT, was detected in seven individuals from a Japanese cohort of 1,743 individuals with various types of adult cancers, however, it was also reported in two of 2,348 non-cancer control subjects (Ebi H et al. Cancer Res., 2007 Dec;67:11158-65). This nucleotide position is highly conserved in available vertebrate species. In silico splice site analysis predicts that this alteration will weaken the native splice donor site; however, direct evidence is insufficient at this time (Ambry internal data). Since supporting evidence is limited at this time, the clinical significance of this alteration remains unclear.

Labcorp Genetics (formerly Invitae), Labcorp
Classification: Uncertain significance for Microcephaly, normal intelligence and immunodeficiency. Last evaluated: 2021-11-13. Review status: criteria provided, single submitter. Criteria: Invitae Variant Classification Sherloc (09022015). Collection method: clinical testing. Allele origin: germline.
Comment: This sequence change falls in intron 11 of the NBN gene. It does not directly change the encoded amino acid sequence of the NBN protein. It affects a nucleotide within the consensus splice site. This variant is not present in population databases (gnomAD no frequency). This variant has been observed in individual(s) with gastric, colorectal and lung cancer, as well as unaffected control individuals (PMID: 18056440). In a small case-control study involving 1,743 cases with various cancers and 2,348 controls of Japanese origin, this variant was significantly associated with increased risk for gastrointestinal cancer (OR 12.6, 95% CI: 2.05‚Äì132.1). However, the clinical significance of this observation is still uncertain. (PMID: 18056440). This variant is also known as IVS11+2insT. ClinVar contains an entry for this variant (Variation ID: 648008). Variants that disrupt the consensus splice site are a relatively common cause of aberrant splicing (PMID: 17576681, 9536098). Studies have shown that this variant alters mRNA splicing and is expected to lead to the loss of protein expression (PMID: 18056440). In summary, the available evidence is currently insufficient to determine the role of this variant in disease. Therefore, it has been classified as a Variant of Uncertain Significance.

Genome-Nilou Lab
Classification: Uncertain significance for Microcephaly, normal intelligence and immunodeficiency. Last evaluated: 2021-11-07. Review status: criteria provided, single submitter. Criteria: ACMG Guidelines, 2015. Collection method: clinical testing. Allele origin: germline. Affected: no.

Literature cited by the submitters: PubMed 18056440 (cited by Ambry Genetics and Labcorp Genetics (formerly Invitae), Labcorp); PubMed 17576681 (cited by Labcorp Genetics (formerly Invitae), Labcorp); PubMed 9536098 (cited by Labcorp Genetics (formerly Invitae), Labcorp).

NM_002485.5(NBN):c.1845+2dup

Gene: NBN (nibrin; minus strand). Cytogenetic location: 8q21.3.
Variant type: Duplication.
Coding change: c.1845+2dup on transcript NM_002485.5 (MANE Select); the canonical splice donor site of the intron after coding-DNA position 1845, one base duplicated (T; older notation c.1845+2dupT).
Molecular consequence: splice donor variant.
Genome position (GRCh38, 1-based): chr8:89,953,242, A duplicated on the plus strand (T on the coding strand, the reverse complement: NBN is on the minus strand). VCF-style (leftmost placement, unchanged base first): chr8-89953241-T-TA. GRCh37 (hg19) VCF-style: chr8-90965469-T-TA.
Other names: c.1845+2dupT (NM_002485.4); c.1599+2dup (NM_001024688.3).
Identifiers: ClinVar variation 648008 (VCV000648008.12), dbSNP rs1586052628, ClinGen allele CA915945768.